The following is an entry in ClinVar:

NM_001371928.1(AHDC1):c.1696G>A (p.Val566Met)

Gene: AHDC1 (AT-hook DNA binding motif containing 1; minus strand). Cytogenetic location: 1p36.11.
Variant type: single nucleotide variant.
Coding change: c.1696G>A on transcript NM_001371928.1 (MANE Select); coding-DNA position 1696, G replaced by A.
Protein change: p.Val566Met; replaces valine 566 with methionine.
Molecular consequence: missense variant.
Genome position (GRCh38, 1-based): chr1:27,550,420, C>T on the plus strand (G>A on the coding strand, the complement: AHDC1 is on the minus strand). VCF-style: chr1-27550420-C-T. GRCh37 (hg19) VCF-style: chr1-27876931-C-T.
Other names: c.1696G>A, p.Val566Met (NM_001029882.3); short protein forms V566M.
Identifiers: ClinVar variation 2966310 (VCV002966310.3), dbSNP rs2019474627, ClinGen allele CA339233537.

ClinVar aggregate classification (germline): Uncertain significance (1 of 4 stars; one submission).

gnomAD v4.1: 10 of 1,611,172 alleles (0.00062%); highest among the groups gnomAD compares: East Asian, 0.0067%; no homozygotes.

Submission:

Labcorp Genetics (formerly Invitae), Labcorp
Classification: Uncertain significance. Last evaluated: 2024-01-22. Review status: criteria provided, single submitter. Criteria: Invitae Variant Classification Sherloc (09022015). Collection method: clinical testing. Allele origin: germline.
Comment: This sequence change replaces valine, which is neutral and non-polar, with methionine, which is neutral and non-polar, at codon 566 of the AHDC1 protein (p.Val566Met). This variant is not present in population databases (gnomAD no frequency). This variant has not been reported in the literature in individuals affected with AHDC1-related conditions. An algorithm developed to predict the effect of missense changes on protein structure and function (PolyPhen-2) suggests that this variant is likely to be disruptive. In summary, the available evidence is currently insufficient to determine the role of this variant in disease. Therefore, it has been classified as a Variant of Uncertain Significance.